The following is an entry in ClinVar:

NM_001291303.3(FAT4):c.7163C>G (p.Ala2388Gly)

Gene: FAT4 (FAT atypical cadherin 4; plus strand). Cytogenetic location: 4q28.1.
Variant type: single nucleotide variant.
Coding change: c.7163C>G on transcript NM_001291303.3 (MANE Select); coding-DNA position 7163, C replaced by G.
Protein change: p.Ala2388Gly; replaces alanine 2388 with glycine.
Molecular consequence: missense variant.
Genome position (GRCh38, 1-based): chr4:125,434,389, C>G. VCF-style: chr4-125434389-C-G. GRCh37 (hg19) VCF-style: chr4-126355544-C-G.
Other names: c.7163C>G, p.Ala2388Gly (NM_001291285.3, NM_024582.6); short protein forms A2388G.
Identifiers: ClinVar variation 1980202 (VCV001980202.1), dbSNP rs370391156, ClinGen allele CA3073104.

ClinVar aggregate classification (germline): Uncertain significance (1 of 4 stars; one submission).

Allele frequency attached by ClinVar (database versions not stated): ESP Exome Variant Server 0.00008.
gnomAD v4.1: 11 of 1,613,888 alleles (0.00068%); highest among the groups gnomAD compares: African/African-American, 0.0013%; no homozygotes.

Submission:

Labcorp Genetics (formerly Invitae), Labcorp
Classification: Uncertain significance. Last evaluated: 2022-08-20. Review status: criteria provided, single submitter. Criteria: Invitae Variant Classification Sherloc (09022015). Collection method: clinical testing. Allele origin: germline.
Comment: This sequence change replaces alanine, which is neutral and non-polar, with glycine, which is neutral and non-polar, at codon 2388 of the FAT4 protein (p.Ala2388Gly). This variant is present in population databases (rs370391156, gnomAD 0.02%). This variant has not been reported in the literature in individuals affected with FAT4-related conditions. Algorithms developed to predict the effect of missense changes on protein structure and function are either unavailable or do not agree on the potential impact of this missense change (SIFT: "Tolerated"; PolyPhen-2: "Possibly Damaging"; Align-GVGD: "Class C0"). In summary, the available evidence is currently insufficient to determine the role of this variant in disease. Therefore, it has been classified as a Variant of Uncertain Significance.